The following is an entry in ClinVar:

NM_015272.5(RPGRIP1L):c.2709A>G (p.Gln903=)

Gene: RPGRIP1L (RPGRIP1 like; minus strand). Cytogenetic location: 16q12.2.
Variant type: single nucleotide variant.
Coding change: c.2709A>G on transcript NM_015272.5 (MANE Select); coding-DNA position 2709, A replaced by G.
Protein change: p.Gln903=; no amino-acid change (glutamine 903 retained).
Molecular consequence: synonymous variant.
Genome position (GRCh38, 1-based): chr16:53,641,450, T>C on the plus strand (A>G on the coding strand, the complement: RPGRIP1L is on the minus strand). VCF-style: chr16-53641450-T-C. GRCh37 (hg19) VCF-style: chr16-53675362-T-C.
Other names: c.2709A>G (NM_015272.4); c.2709A>G, p.Gln903= (NM_001127897.4, NM_001308334.3, NM_001330538.2).
Identifiers: ClinVar variation 1101803 (VCV001101803.10), dbSNP rs1412609114, ClinGen allele CA495784337.

ClinVar aggregate classification (germline): Likely benign. Review status: criteria provided, single submitter (1 of 4 stars). 2 submissions from 2 submitters: Likely benign (1). 1 of the submissions does not count toward it. Last evaluated 2024-07-24.

Conditions:
RPGRIP1L-related disorder. Also called: RPGRIP1L-related condition; RPGRIP1L-related disorders. Identifiers: MedGen CN239416.
Joubert syndrome. Also called: Familial aplasia of the vermis; JOUBERT-BOLTSHAUSER SYNDROME. Identifiers: Orphanet 475, MedGen C5979921, MONDO:0018772.
Meckel-Gruber syndrome. Also called: Dysencephalia splachnocystica; GRUBER SYNDROME; DYSENCEPHALIA SPLANCHNOCYSTICA. Identifiers: Orphanet 564, MedGen C0265215, MONDO:0018921.

Allele frequency attached by ClinVar (database versions not stated): gnomAD exomes below 0.00001 and 0.00001; TOPMed below 0.00001; gnomAD 0.00001.
gnomAD v4.1: 10 of 1,613,846 alleles (0.00062%); highest among the groups gnomAD compares: East Asian, 0.0089%; no homozygotes.

Submissions (2):

Labcorp Genetics (formerly Invitae), Labcorp
Classification: Likely benign for Joubert syndrome; Meckel-Gruber syndrome. Last evaluated: 2024-07-24. Review status: criteria provided, single submitter. Criteria: Invitae Variant Classification Sherloc (09022015). Collection method: clinical testing. Allele origin: germline.

PreventionGenetics, part of Exact Sciences
Classification: Likely benign for RPGRIP1L-related condition. Last evaluated: 2022-05-19. Review status: no assertion criteria provided. Collection method: clinical testing. Allele origin: germline. Not counted in ClinVar's aggregate classification.
Comment: This variant is classified as likely benign based on ACMG/AMP sequence variant interpretation guidelines (Richards et al. 2015 PMID: 25741868, with internal and published modifications).